The following is an entry in ClinVar:

ClinVar aggregate classification (germline): Uncertain significance (1 of 4 stars; one submission).

Conditions:
Inborn genetic diseases. Identifiers: MedGen C0950123, MeSH D030342.

Submission:

Ambry Genetics
Classification: Uncertain significance for Inborn genetic diseases. Last evaluated: 2026-07-29. Review status: criteria provided, single submitter. Criteria: Ambry Variant Classification Scheme 2023. Collection method: clinical testing. Allele origin: germline.
Comment: The c.-9T>C variant is located in the 5' untranslated region (5&rsquo; UTR) of the WT1 gene. This variant results from a T to C substitution 9 bases upstream from the first translated codon. Although this variant falls within the 5'UTR of transcript NM_024426.4, it is a missense variant (c.7T>C, p.Phe3Leu) in the MANE Select transcript (NM_024426.6). This nucleotide position is well conserved in available vertebrate species. Based on the available evidence, the clinical significance of this variant remains unclear.

NM_024426.6(WT1):c.7T>C (p.Phe3Leu)

Genes: WT1 (WT1 transcription factor; minus strand), LOC107982234 (WT1/WT1-AS bi-directional promoter region; plus strand). Cytogenetic location: 11p13.
Variant type: single nucleotide variant.
Coding change: c.7T>C on transcript NM_024426.6 (MANE Select); coding-DNA position 7, T replaced by C.
Protein change: p.Phe3Leu; replaces phenylalanine 3 with leucine.
Molecular consequence: missense variant. On other transcripts: 5 prime UTR variant (4), non-coding transcript variant (2).
Genome position (GRCh38, 1-based): chr11:32,435,354, A>G on the plus strand (T>C on the coding strand, the complement: WT1 is on the minus strand). VCF-style: chr11-32435354-A-G. GRCh37 (hg19) VCF-style: chr11-32456900-A-G.
Other names: c.7T>C, p.Phe3Leu (NM_000378.6, NM_001407044.1, NM_001407045.1 and 6 more transcripts); c.-213T>C (NM_001429031.1, NM_001429032.1, NM_001429033.1 and 1 more transcripts); short protein forms F3L.
Identifiers: ClinVar variation 5032052 (VCV005032052.1).